The following is an entry in ClinVar:

NM_015627.3(LDLRAP1):c.574G>A (p.Val192Ile)

Gene: LDLRAP1 (low density lipoprotein receptor adaptor protein 1; plus strand). Cytogenetic location: 1p36.11.
Variant type: single nucleotide variant.
Coding change: c.574G>A on transcript NM_015627.3 (MANE Select); coding-DNA position 574, G replaced by A.
Protein change: p.Val192Ile; replaces valine 192 with isoleucine.
Molecular consequence: missense variant.
Genome position (GRCh38, 1-based): chr1:25,563,111, G>A. VCF-style: chr1-25563111-G-A. GRCh37 (hg19) VCF-style: chr1-25889602-G-A.
Other names: short protein forms V192I.
Identifiers: ClinVar variation 1749429 (VCV001749429.3), dbSNP rs901050187, ClinGen allele CA19644953.
Genomic context (GRCh38, chr1:25,563,111, plus strand): 5'-TTGTGCCTTGGTCCTGCAGAGAAAGAGAAGAGGGACAAAGCCAGCCAAGAGGGAGGGGAC[G>A]TCCTGGGGGCCCGCCAAGACTGCACCCCCTCCTTGAAGAGCTGTGAGTCCTGACGGGGAA-3'
Protein context (NP_056442.2, residues 182-202): RDKASQEGGD[Val192Ile]LGARQDCTPS

ClinVar aggregate classification (germline): Conflicting classifications of pathogenicity. Review status: criteria provided, conflicting classifications (1 of 4 stars). 2 submissions from 2 submitters: Uncertain significance (1); Likely benign (1). Last evaluated 2025-04-07.

Conditions:
LDLRAP1-related disorder. Also called: LDLRAP1-related condition.
Cardiovascular phenotype. Identifiers: MedGen CN230736.

Allele frequency attached by ClinVar (database versions not stated): gnomAD 0.00001; gnomAD exomes 0.00001; TOPMed 0.00001.
gnomAD v4.1: 12 of 1,613,924 alleles (0.00074%); highest among the groups gnomAD compares: East Asian, 0.0067%; no homozygotes.

Submissions (2):

PreventionGenetics, part of Exact Sciences
Classification: Uncertain significance for LDLRAP1-related condition. Last evaluated: 2025-04-07. Review status: criteria provided, single submitter. Criteria: ACMG Guidelines, 2015. Collection method: clinical testing. Allele origin: germline.
Comment: The LDLRAP1 c.574G>A variant is predicted to result in the amino acid substitution p.Val192Ile. To our knowledge, this variant has not been reported in the literature. This variant is reported in 0.0040% of alleles in individuals of African descent in gnomAD. At this time, the clinical significance of this variant is uncertain due to the absence of conclusive functional and genetic evidence.

Ambry Genetics
Classification: Likely benign for Cardiovascular phenotype. Last evaluated: 2024-02-26. Review status: criteria provided, single submitter. Criteria: Ambry Variant Classification Scheme 2023. Collection method: clinical testing. Allele origin: germline.